The following is an entry in ClinVar:

NM_000038.6(APC):c.2578C>T (p.Leu860=)

Gene: APC (APC regulator of Wnt signaling pathway; plus strand). Cytogenetic location: 5q22.2.
Variant type: single nucleotide variant.
Coding change: c.2578C>T on transcript NM_000038.6 (MANE Select); coding-DNA position 2578, C replaced by T.
Protein change: p.Leu860=; no amino-acid change (leucine 860 retained).
Molecular consequence: synonymous variant.
Genome position (GRCh38, 1-based): chr5:112,838,172, C>T. VCF-style: chr5-112838172-C-T. GRCh37 (hg19) VCF-style: chr5-112173869-C-T.
Other names: c.2578C>T (NM_000038.5); c.2578C>T, p.Leu860= (NM_001127510.3, NM_001354895.2); c.2524C>T, p.Leu842= (NM_001127511.3); c.2632C>T, p.Leu878= (NM_001354896.2); c.2608C>T, p.Leu870= (NM_001354897.2); c.2503C>T, p.Leu835= (NM_001354898.2); c.2494C>T, p.Leu832= (NM_001354899.2); c.2455C>T, p.Leu819= (NM_001354900.2); and 6 more.
Identifiers: ClinVar variation 1561716 (VCV001561716.10), dbSNP rs1422929581, ClinGen allele CA445962903.

ClinVar aggregate classification (germline): Benign/Likely benign. Review status: criteria provided, multiple submitters, no conflicts (2 of 4 stars). 4 submissions from 4 submitters: Benign (1); Likely benign (3). Last evaluated 2024-03-14.

Conditions:
Hereditary cancer-predisposing syndrome. Also called: Tumor predisposition; Hereditary Cancer Syndrome; Hereditary neoplastic syndrome; Neoplastic Syndromes, Hereditary. Identifiers: Orphanet 140162, MedGen C0027672, MeSH D009386, MONDO:0015356.
Familial adenomatous polyposis 1 (FAP1). Also called: POLYPOSIS, ADENOMATOUS INTESTINAL; FAMILIAL ADENOMATOUS POLYPOSIS 1, ATTENUATED. Identifiers: MedGen C2713442, MONDO:0021056, OMIM 175100. Disease mechanism: loss of function.

Allele frequency attached by ClinVar (database versions not stated): TOPMed below 0.00001; gnomAD 0.00001.
gnomAD v4.1: 1 of 1,614,050 alleles (0.000062%); highest among the groups gnomAD compares: Non-Finnish European, 0.000085%; no homozygotes.

Submissions (4):

Myriad Genetics, Inc.
Classification: Benign for Familial adenomatous polyposis 1. Last evaluated: 2024-03-14. Review status: criteria provided, single submitter. Criteria: Myriad Autosomal Dominant, Autosomal Recessive and X-Linked Classification Criteria (2023). Collection method: clinical testing. Allele origin: unknown.
Comment: This variant is considered benign. This variant is a silent/synonymous amino acid change and it is not expected to impact splicing.

Color Diagnostics, LLC DBA Color Health
Classification: Likely benign for Hereditary cancer-predisposing syndrome. Last evaluated: 2024-01-28. Review status: criteria provided, single submitter. Criteria: ACMG Guidelines, 2015. Collection method: clinical testing. Allele origin: germline.

Ambry Genetics
Classification: Likely benign for Hereditary cancer-predisposing syndrome. Last evaluated: 2023-04-25. Review status: criteria provided, single submitter. Criteria: Ambry Variant Classification Scheme 2023. Collection method: clinical testing. Allele origin: germline.

Labcorp Genetics (formerly Invitae), Labcorp
Classification: Likely benign for Familial adenomatous polyposis 1. Last evaluated: 2021-01-28. Review status: criteria provided, single submitter. Criteria: Invitae Variant Classification Sherloc (09022015). Collection method: clinical testing. Allele origin: germline.